The following is an entry in ClinVar:

NM_015346.4(ZFYVE26):c.5784T>C (p.Tyr1928=)

Gene: ZFYVE26 (zinc finger FYVE-type containing 26; minus strand). Cytogenetic location: 14q24.1.
Variant type: single nucleotide variant.
Coding change: c.5784T>C on transcript NM_015346.4 (MANE Select); coding-DNA position 5784, T replaced by C.
Protein change: p.Tyr1928=; no amino-acid change (tyrosine 1928 retained).
Molecular consequence: synonymous variant.
Genome position (GRCh38, 1-based): chr14:67,767,710, A>G on the plus strand (T>C on the coding strand, the complement: ZFYVE26 is on the minus strand). VCF-style: chr14-67767710-A-G. GRCh37 (hg19) VCF-style: chr14-68234427-A-G.
Other names: p.Tyr1928=.
Identifiers: ClinVar variation 241053 (VCV000241053.22), dbSNP rs34852231, ClinGen allele CA7239399.

ClinVar aggregate classification (germline): Benign/Likely benign. Review status: criteria provided, multiple submitters, no conflicts (2 of 4 stars). 8 submissions from 8 submitters: Benign (6); Likely benign (2). Last evaluated 2026-01-31.

Conditions:
Spastic paraplegia. Identifiers: MedGen C0037772, HP:0001258.
Hereditary spastic paraplegia. Also called: Familial spastic paraparesis. Identifiers: Orphanet 685, MedGen C0037773, MONDO:0019064. Disease mechanism: loss of function.
Hereditary spastic paraplegia 15 (SPG15). Also called: SPASTIC PARAPLEGIA 15, AUTOSOMAL RECESSIVE; KJELLIN SYNDROME; SPASTIC PARAPLEGIA AND RETINAL DEGENERATION. Identifiers: Orphanet 100996, MedGen C1849128, MONDO:0010044, OMIM 270700.

Allele frequency attached by ClinVar (database versions not stated): ExAC 0.00727; 1000 Genomes Project 0.01338; gnomAD 0.01523 and 0.01623; 1000 Genomes Project 30x 0.01562; TOPMed 0.01727; gnomAD exomes 0.00471 and 0.00686; ESP Exome Variant Server 0.01776.

Submissions (8):

Labcorp Genetics (formerly Invitae), Labcorp
Classification: Benign for Spastic paraplegia. Last evaluated: 2026-01-31. Review status: criteria provided, single submitter. Criteria: Invitae Variant Classification Sherloc (09022015). Collection method: clinical testing. Allele origin: germline.

Genome-Nilou Lab
Classification: Benign for Hereditary spastic paraplegia 15. Last evaluated: 2021-12-05. Review status: criteria provided, single submitter. Criteria: ACMG Guidelines, 2015. Collection method: clinical testing. Allele origin: germline. Affected: no.

Genome Diagnostics Laboratory, The Hospital for Sick Children
Classification: Likely benign for Hereditary spastic paraplegia. Last evaluated: 2021-09-01. Review status: criteria provided, single submitter. Criteria: ACMG Guidelines, 2015. Collection method: clinical testing. Allele origin: germline. Affected: yes.

Illumina Laboratory Services, Illumina
Classification: Benign for Hereditary spastic paraplegia 15. Last evaluated: 2018-01-12. Review status: criteria provided, single submitter. Criteria: ICSL Variant Classification Criteria 13 December 2019. Collection method: clinical testing. Allele origin: germline.
Comment: This variant was observed in the ICSL laboratory as part of a predisposition screen in an ostensibly healthy population. It had not been previously curated by ICSL or reported in the Human Gene Mutation Database (HGMD: prior to June 1st, 2018), and was therefore a candidate for classification through an automated scoring system. Utilizing variant allele frequency, disease prevalence and penetrance estimates, and inheritance mode, an automated score was calculated to assess if this variant is too frequent to cause the disease. Based on the score and internal cut-off values, a variant classified as benign is not then subjected to further curation. The score for this variant resulted in a classification of benign for this disease.

Athena Diagnostics
Classification: Benign. Last evaluated: 2017-10-18. Review status: criteria provided, single submitter. Criteria: Athena Diagnostics Criteria. Collection method: clinical testing. Allele origin: germline.

GeneDx
Classification: Benign. Last evaluated: 2017-10-11. Review status: criteria provided, single submitter. Criteria: GeneDx Variant Classification (06012015). Collection method: clinical testing. Allele origin: germline. Affected: yes.
Comment: This variant is considered likely benign or benign based on one or more of the following criteria: it is a conservative change, it occurs at a poorly conserved position in the protein, it is predicted to be benign by multiple in silico algorithms, and/or has population frequency not consistent with disease.

Mayo Clinic Laboratories, Mayo Clinic
Classification: Benign. Last evaluated: 2017-05-10. Review status: criteria provided, single submitter. Criteria: ACMG Guidelines, 2015. Collection method: clinical testing. Allele origin: germline. Observed: 26 variant alleles.

Breakthrough Genomics
Classification: Likely benign. Review status: criteria provided, single submitter. Criteria: ACMG Guidelines, 2015. Collection method: not provided. Allele origin: germline. Inheritance: Autosomal recessive inheritance. Affected: yes.